The following is an entry in ClinVar:

ClinVar aggregate classification (germline): Uncertain significance (1 of 4 stars; one submission).

Submission:

Labcorp Genetics (formerly Invitae), Labcorp
Classification: Uncertain significance. Last evaluated: 2023-12-11. Review status: criteria provided, single submitter. Criteria: Invitae Variant Classification Sherloc (09022015). Collection method: clinical testing. Allele origin: germline.
Comment: This sequence change falls in intron 1 of the MYO18B gene. It does not directly change the encoded amino acid sequence of the MYO18B protein. It affects a nucleotide within the consensus splice site. Information on the frequency of this variant in the gnomAD database is not available, as this variant may be reported differently in the database. This variant has not been reported in the literature in individuals affected with MYO18B-related conditions. ClinVar contains an entry for this variant (Variation ID: 2000525). Variants that disrupt the consensus splice site are a relatively common cause of aberrant splicing (PMID: 17576681, 9536098). In summary, the available evidence is currently insufficient to determine the role of this variant in disease. Therefore, it has been classified as a Variant of Uncertain Significance.

Literature cited by the submitters: PubMed 17576681; PubMed 9536098.

NM_032608.7(MYO18B):c.-110+4231_-110+4232delinsTC

Gene: MYO18B (myosin XVIIIB; plus strand). Cytogenetic location: 22q12.1.
Variant type: Indel.
Coding change: c.-110+4231_-110+4232delinsTC on transcript NM_032608.7 (MANE Select); bases 4231 to 4232 of the intron after 110 bases upstream of the start codon, CA replaced by TC.
Molecular consequence: intron variant.
Genome position (GRCh38, 1-based): chr22:25,746,524-25,746,525, CA replaced by TC. VCF-style: chr22-25746524-CA-TC. GRCh37 (hg19) VCF-style: chr22-26142491-CA-TC.
Other names: c.-110+4231_-110+4232delinsTC (NM_001318245.2).
Identifiers: ClinVar variation 2000525 (VCV002000525.4), dbSNP rs2517538774, ClinGen allele CA2580099290.